The following is an entry in ClinVar:

NM_001122630.2(CDKN1C):c.-10-22del

Gene: CDKN1C (cyclin dependent kinase inhibitor 1C; minus strand). Cytogenetic location: 11p15.4.
Variant type: Deletion.
Coding change: c.-10-22del on transcript NM_001122630.2 (MANE Select); 22 bases into the intron before 10 bases upstream of the start codon, one base deleted (T; older notation c.-10-22delT).
Molecular consequence: intron variant. On other transcripts: frameshift variant (2), initiator codon variant (2).
Genome position (GRCh38, 1-based): chr11:2,885,488, A deleted on the plus strand (T on the coding strand, the reverse complement: CDKN1C is on the minus strand). VCF-style (leftmost placement, unchanged base first): chr11-2885487-CA-C. GRCh37 (hg19) VCF-style: chr11-2906717-CA-C.
Other names: c.2del, p.Met1fs (NM_000076.2, NM_001362474.2); c.-10-22del (NM_001362475.2, NM_001122631.2); short protein forms M1fs.
Identifiers: ClinVar variation 2023884 (VCV002023884.5), dbSNP rs2494391536, ClinGen allele CA2580082696.

ClinVar aggregate classification (germline): Uncertain significance (1 of 4 stars; one submission).

Conditions:
Beckwith-Wiedemann syndrome (BWS). Also called: EMG SYNDROME; Exomphalos macroglossia gigantism syndrome. Identifiers: Orphanet 116, MedGen C0004903, MONDO:0007534, OMIM 130650.

Allele frequency attached by ClinVar (database versions not stated): gnomAD exomes below 0.00001.

Submission:

Labcorp Genetics (formerly Invitae), Labcorp
Classification: Uncertain significance for Beckwith-Wiedemann syndrome. Last evaluated: 2022-09-16. Review status: criteria provided, single submitter. Criteria: Invitae Variant Classification Sherloc (09022015). Collection method: clinical testing. Allele origin: germline.
Comment: This variant has not been reported in the literature in individuals affected with CDKN1C-related conditions. This sequence change affects the initiator methionine of the CDKN1C mRNA. The next in-frame methionine is located at codon 12. This variant is not present in population databases (gnomAD no frequency). Experimental studies and prediction algorithms are not available or were not evaluated, and the functional significance of this variant is currently unknown. In summary, the available evidence is currently insufficient to determine the role of this variant in disease. Therefore, it has been classified as a Variant of Uncertain Significance.